The following is an entry in ClinVar:

ClinVar aggregate classification (germline): Uncertain significance (1 of 4 stars; one submission).

Conditions:
Joubert syndrome 21 (JBTS21). Identifiers: MedGen C3810212, MONDO:0014288, OMIM 615636.

Submission:

Labcorp Genetics (formerly Invitae), Labcorp
Classification: Uncertain significance for Joubert syndrome 21. Last evaluated: 2021-03-30. Review status: criteria provided, single submitter. Criteria: Invitae Variant Classification Sherloc (09022015). Collection method: clinical testing. Allele origin: germline.
Comment: In summary, the available evidence is currently insufficient to determine the role of this variant in disease. Therefore, it has been classified as a Variant of Uncertain Significance. Algorithms developed to predict the effect of sequence changes on RNA splicing suggest that this variant may create or strengthen a splice site, but this prediction has not been confirmed by published transcriptional studies. This variant has not been reported in the literature in individuals with CSPP1-related conditions. This variant is not present in population databases (ExAC no frequency). This sequence change falls in intron 16 of the CSPP1 gene. It does not directly change the encoded amino acid sequence of the CSPP1 protein.

NM_001382391.1(CSPP1):c.2129-16A>G

Gene: CSPP1 (centrosome and spindle pole associated protein 1; plus strand). Cytogenetic location: 8q13.2.
Variant type: single nucleotide variant.
Coding change: c.2129-16A>G on transcript NM_001382391.1 (MANE Select); 16 bases into the intron before coding-DNA position 2129, A replaced by G.
Molecular consequence: intron variant.
Genome position (GRCh38, 1-based): chr8:67,154,008, A>G. VCF-style: chr8-67154008-A-G. GRCh37 (hg19) VCF-style: chr8-68066243-A-G.
Other names: c.1934-16A>G (NM_001363132.2); c.2048-16A>G (NM_001363131.2); c.1853-16A>G (NM_001363133.2); c.2195-16A>G (NM_001364869.1); c.2114-16A>G (NM_024790.7, NM_001438331.1); c.1961-16A>G (NM_001438330.1); c.2015-16A>G (NM_001364870.1); c.1430-16A>G (NM_001438332.1); and 1 more.
Identifiers: ClinVar variation 1018628 (VCV001018628.8), dbSNP rs1826203961, ClinGen allele CA1790811507.